The following is an entry in ClinVar:

NM_000310.4(PPT1):c.246C>A (p.Asn82Lys)

Gene: PPT1 (palmitoyl-protein thioesterase 1; minus strand). Cytogenetic location: 1p34.2.
Variant type: single nucleotide variant.
Coding change: c.246C>A on transcript NM_000310.4 (MANE Select); coding-DNA position 246, C replaced by A.
Protein change: p.Asn82Lys; replaces asparagine 82 with lysine.
Molecular consequence: missense variant. On other transcripts: intron variant (1).
Genome position (GRCh38, 1-based): chr1:40,092,161, G>T on the plus strand (C>A on the coding strand, the complement: PPT1 is on the minus strand). VCF-style: chr1-40092161-G-T. GRCh37 (hg19) VCF-style: chr1-40557833-G-T.
Other names: c.246C>A, p.Asn82Lys (NM_001363695.2); c.125-2649C>A (NM_001142604.2); short protein forms N82K.
Identifiers: ClinVar variation 2128029 (VCV002128029.4), dbSNP rs2523688304, ClinGen allele CA339849360.

ClinVar aggregate classification (germline): Uncertain significance (1 of 4 stars; one submission).

Conditions:
Neuronal ceroid lipofuscinosis 1 (CLN1). Also called: CEROID LIPOFUSCINOSIS, NEURONAL, 1, VARIABLE AGE AT ONSET; PPT1-Related Neuronal Ceroid-Lipofuscinosis. Identifiers: Orphanet 228329, MedGen C1850451, MONDO:0009744, OMIM 256730.

Allele frequency attached by ClinVar (database versions not stated): gnomAD exomes below 0.00001.

Submission:

Labcorp Genetics (formerly Invitae), Labcorp
Classification: Uncertain significance for Neuronal ceroid lipofuscinosis 1. Last evaluated: 2022-04-19. Review status: criteria provided, single submitter. Criteria: Invitae Variant Classification Sherloc (09022015). Collection method: clinical testing. Allele origin: germline.
Comment: This variant has not been reported in the literature in individuals affected with PPT1-related conditions. This variant is not present in population databases (gnomAD no frequency). This sequence change replaces asparagine, which is neutral and polar, with lysine, which is basic and polar, at codon 82 of the PPT1 protein (p.Asn82Lys). In summary, the available evidence is currently insufficient to determine the role of this variant in disease. Therefore, it has been classified as a Variant of Uncertain Significance. Advanced modeling of protein sequence and biophysical properties (such as structural, functional, and spatial information, amino acid conservation, physicochemical variation, residue mobility, and thermodynamic stability) performed at Invitae indicates that this missense variant is expected to disrupt PPT1 protein function.